The following is an entry in ClinVar:

ClinVar aggregate classification (germline): Uncertain significance (1 of 4 stars; one submission).

Conditions:
Ataxia-telangiectasia-like disorder (ATLD). Identifiers: MedGen C1858391, MONDO:0011457.

Submission:

Labcorp Genetics (formerly Invitae), Labcorp
Classification: Uncertain significance for Ataxia-telangiectasia-like disorder. Last evaluated: 2021-08-26. Review status: criteria provided, single submitter. Criteria: Invitae Variant Classification Sherloc (09022015). Collection method: clinical testing. Allele origin: germline.
Comment: This sequence change replaces aspartic acid with histidine at codon 495 of the MRE11 protein (p.Asp495His). The aspartic acid residue is moderately conserved and there is a moderate physicochemical difference between aspartic acid and histidine. This variant is not present in population databases (ExAC no frequency). This variant has not been reported in the literature in individuals affected with MRE11-related conditions. Algorithms developed to predict the effect of missense changes on protein structure and function are either unavailable or do not agree on the potential impact of this missense change (SIFT: "Deleterious"; PolyPhen-2: "Benign"; Align-GVGD: "Class C0"). In summary, the available evidence is currently insufficient to determine the role of this variant in disease. Therefore, it has been classified as a Variant of Uncertain Significance.

NM_005591.4(MRE11):c.1483G>C (p.Asp495His)

Gene: MRE11 (MRE11 homolog, double strand break repair nuclease; minus strand). Cytogenetic location: 11q21.
Variant type: single nucleotide variant.
Coding change: c.1483G>C on transcript NM_005591.4 (MANE Select); coding-DNA position 1483, G replaced by C.
Protein change: p.Asp495His; replaces aspartic acid 495 with histidine.
Molecular consequence: missense variant.
Genome position (GRCh38, 1-based): chr11:94,459,425, C>G on the plus strand (G>C on the coding strand, the complement: MRE11 is on the minus strand). VCF-style: chr11-94459425-C-G. GRCh37 (hg19) VCF-style: chr11-94192591-C-G.
Other names: c.1483G>C, p.Asp495His (NM_001330347.2, NM_005590.4); short protein forms D495H.
Identifiers: ClinVar variation 1681581 (VCV001681581.5), dbSNP rs2134989665, ClinGen allele CA382371674.